The following is an entry in ClinVar:

NM_001267550.2(TTN):c.104800C>A (p.Gln34934Lys)

Genes: TTN-AS1 (TTN antisense RNA 1; plus strand), TTN (titin; minus strand). Cytogenetic location: 2q31.2.
Variant type: single nucleotide variant.
Coding change: c.104800C>A on transcript NM_001267550.2 (MANE Select); coding-DNA position 104800, C replaced by A.
Protein change: p.Gln34934Lys; replaces glutamine 34934 with lysine.
Molecular consequence: missense variant.
Genome position (GRCh38, 1-based): chr2:178,531,815, G>T on the plus strand (C>A on the coding strand, the complement: TTN is on the minus strand). VCF-style: chr2-178531815-G-T. GRCh37 (hg19) VCF-style: chr2-179396542-G-T.
Other names: c.99877C>A, p.Gln33293Lys (NM_001256850.1); c.77605C>A, p.Gln25869Lys (NM_003319.4); c.97096C>A, p.Gln32366Lys (NM_133378.4); c.77980C>A, p.Gln25994Lys (NM_133432.3); c.78181C>A, p.Gln26061Lys (NM_133437.4); short protein forms Q25869K, Q26061K, Q32366K, Q33293K, Q34934K, Q25994K.
Identifiers: ClinVar variation 1985123 (VCV001985123.4), dbSNP rs1461686325, ClinGen allele CA349410897.
Genomic context (GRCh38, chr2:178,531,815, plus strand): 5'-GTACCCTGTGCGAGCGCATTCTCAGTGTGATTCGAGGGGCATGGTCCAGTGTGAAAGGCT[G>T]CTGACTCAAAACTTCATACTTCCTTTCTGATGTCTTCTGAGTTTTTAAAGCAGCTTTCAT-3'
Protein context (NP_001254479.2, residues 34924-34944): SERKYEVLSQ[Gln34934Lys]PFTLDHAPRI

ClinVar aggregate classification (germline): Uncertain significance (1 of 4 stars; one submission).

Conditions:
Dilated cardiomyopathy 1G (CMD1G). Identifiers: Orphanet 154, MedGen C1858763, MONDO:0011400, OMIM 604145.
Autosomal recessive limb-girdle muscular dystrophy type 2J (LGMDR10). Also called: Limb-girdle muscular dystrophy, type 2J; MUSCULAR DYSTROPHY, LIMB-GIRDLE, AUTOSOMAL RECESSIVE 10. Identifiers: Orphanet 140922, MedGen C1837342, MONDO:0012127, OMIM 608807.

Submission:

Labcorp Genetics (formerly Invitae), Labcorp
Classification: Uncertain significance for Dilated cardiomyopathy 1G; Autosomal recessive limb-girdle muscular dystrophy type 2J. Last evaluated: 2021-12-21. Review status: criteria provided, single submitter. Criteria: Invitae Variant Classification Sherloc (09022015). Collection method: clinical testing. Allele origin: germline.
Comment: This variant is located in the M band of TTN (PMID: 25589632). Variants in this region may be relevant for neuromuscular disorders, but have not been definitively shown to cause cardiomyopathy (PMID: 23975875). In summary, the available evidence is currently insufficient to determine the role of this variant in disease. Therefore, it has been classified as a Variant of Uncertain Significance. Experimental studies and prediction algorithms are not available or were not evaluated, and the functional significance of this variant is currently unknown. This variant has not been reported in the literature in individuals affected with TTN-related conditions. This variant is not present in population databases (gnomAD no frequency). This sequence change replaces glutamine, which is neutral and polar, with lysine, which is basic and polar, at codon 34934 of the TTN protein (p.Gln34934Lys).

Literature cited by the submitters: PubMed 25589632; PubMed 23975875.